The following is an entry in ClinVar:

NM_016734.3(PAX5):c.1009C>A (p.Pro337Thr)

Gene: PAX5 (paired box 5; minus strand). Cytogenetic location: 9p13.2.
Variant type: single nucleotide variant.
Coding change: c.1009C>A on transcript NM_016734.3 (MANE Select); coding-DNA position 1009, C replaced by A.
Protein change: p.Pro337Thr; replaces proline 337 with threonine.
Molecular consequence: missense variant. On other transcripts: non-coding transcript variant (2), intron variant (6).
Genome position (GRCh38, 1-based): chr9:36,882,007, G>T on the plus strand (C>A on the coding strand, the complement: PAX5 is on the minus strand). VCF-style: chr9-36882007-G-T. GRCh37 (hg19) VCF-style: chr9-36882004-G-T.
Other names: c.1009C>A, p.Pro337Thr (NM_001280548.2); c.880C>A, p.Pro294Thr (NM_001280553.2, NM_001280554.2); c.685C>A, p.Pro229Thr (NM_001280556.2); c.586+41348C>A (NM_001280551.2); c.713-35078C>A (NM_001280555.2); c.781-41371C>A (NM_001280550.2); c.781-35078C>A (NM_001280549.2); c.910+41348C>A (NM_001280552.2); and 1 more; short protein forms P229T, P294T, P337T.
Identifiers: ClinVar variation 4861601 (VCV004861601.1).

ClinVar aggregate classification (germline): Uncertain significance (1 of 4 stars; one submission).

Conditions:
Inborn genetic diseases. Identifiers: MedGen C0950123, MeSH D030342.

Submission:

Ambry Genetics
Classification: Uncertain significance for Inborn genetic diseases. Last evaluated: 2026-04-06. Review status: criteria provided, single submitter. Criteria: Ambry Variant Classification Scheme 2023. Collection method: clinical testing. Allele origin: germline.
Comment: The p.P337T variant (also known as c.1009C>A), located in coding exon 8 of the PAX5 gene, results from a C to A substitution at nucleotide position 1009. The proline at codon 337 is replaced by threonine, an amino acid with highly similar properties. This amino acid position is conserved. In addition, the in silico prediction for this alteration is inconclusive. Based on the available evidence, the clinical significance of this variant remains unclear.